The following is an entry in ClinVar:

ClinVar aggregate classification (germline): Conflicting classifications of pathogenicity. Review status: criteria provided, conflicting classifications (1 of 4 stars). 4 submissions from 4 submitters: Likely pathogenic (1); Uncertain significance (2); Likely benign (1). Last evaluated 2025-12-30.

Conditions:
Amyotrophic lateral sclerosis type 10 (ALS10). Also called: TARDBP-Related Amyotrophic Lateral Sclerosis-Frontotemporal Dementia; Amyotrophic lateral sclerosis 10, with or without FTD; AMYOTROPHIC LATERAL SCLEROSIS 10 WITHOUT FRONTOTEMPORAL DEMENTIA AND WITH TDP43 INCLUSIONS; AMYOTROPHIC LATERAL SCLEROSIS 10 WITH OR WITHOUT FRONTOTEMPORAL DEMENTIA AND WITH TDP43 INCLUSIONS; AMYOTROPHIC LATERAL SCLEROSIS 10 WITH OR WITHOUT FRONTOTEMPORAL DEMENTIA. Identifiers: Orphanet 275872, Orphanet 803, MedGen C2677565, MONDO:0012790, OMIM 612069.
FRONTOTEMPORAL LOBAR DEGENERATION WITH TDP43 INCLUSIONS, TARDBP-RELATED. Also called: Frontotemporal lobar degeneration, TARDBP-related. Identifiers: MedGen C3150169, OMIM 612069.
Inborn genetic diseases. Identifiers: MedGen C0950123, MeSH D030342.

Allele frequency attached by ClinVar (database versions not stated): ExAC 0.00002; gnomAD exomes 0.00002; gnomAD 0.00004 and 0.00005; TOPMed 0.00005; ESP Exome Variant Server 0.00008.
gnomAD v4.1: 37 of 1,585,644 alleles (0.0023%); highest among the groups gnomAD compares: African/African-American, 0.014%; no homozygotes.

Submissions (4):

GeneDx
Classification: Likely pathogenic. Last evaluated: 2025-12-30. Review status: criteria provided, single submitter. Criteria: GeneDx Variant Classification Process June 2021. Collection method: clinical testing. Allele origin: germline. Affected: yes.
Comment: In silico analysis suggests that this missense variant does not alter protein structure/function; Not observed at significant frequency in large population cohorts (gnomAD); This variant is associated with the following publications: (PMID: Crooke2024[Article], 20071528, 18779421, 19760257, 20708823, 21173160, 18545701, 30889971, 22244934, 27703146, 21086759, 36341099, 35835219, 40813364, 22539580, 22121224, 36732882, 38002982, 18372902, 35896380, 29091718, 19515851, 20301761, 33694180)

Labcorp Genetics (formerly Invitae), Labcorp
Classification: Uncertain significance for Amyotrophic lateral sclerosis type 10; FRONTOTEMPORAL LOBAR DEGENERATION WITH TDP43 INCLUSIONS, TARDBP-RELATED. Last evaluated: 2025-10-19. Review status: criteria provided, single submitter. Criteria: Invitae Variant Classification Sherloc (09022015). Collection method: clinical testing. Allele origin: germline.
Comment: This sequence change replaces asparagine, which is neutral and polar, with serine, which is neutral and polar, at codon 390 of the TARDBP protein (p.Asn390Ser). This variant is present in population databases (rs80356742, gnomAD 0.004%). This missense change has been observed in individual(s) with clinical features of TARDBP-related conditions (PMID: 18372902, 22539580, 22722621, 23100398, 29091718). ClinVar contains an entry for this variant (Variation ID: 1300489). An algorithm developed to predict the effect of missense changes on protein structure and function (PolyPhen-2) suggests that this variant is likely to be tolerated. Experimental studies have shown that this missense change affects TARDBP function (PMID: 19515851, 21173160, 22121224). In summary, the available evidence is currently insufficient to determine the role of this variant in disease. Therefore, it has been classified as a Variant of Uncertain Significance.

Blueprint Genetics
Classification: Uncertain significance. Last evaluated: 2022-03-14. Review status: criteria provided, single submitter. Criteria: ACMG Guidelines, 2015. Collection method: clinical testing. Allele origin: germline.

Ambry Genetics
Classification: Likely benign for Inborn genetic diseases. Last evaluated: 2020-03-17. Review status: criteria provided, single submitter. Criteria: Ambry Variant Classification Scheme 2023. Collection method: clinical testing. Allele origin: germline.

Literature cited by the submitters: PubMed 18372902 (cited by Labcorp Genetics (formerly Invitae), Labcorp); PubMed 22539580 (cited by Labcorp Genetics (formerly Invitae), Labcorp); PubMed 22722621 (cited by Labcorp Genetics (formerly Invitae), Labcorp); PubMed 23100398 (cited by Labcorp Genetics (formerly Invitae), Labcorp); PubMed 29091718 (cited by Labcorp Genetics (formerly Invitae), Labcorp); PubMed 19515851 (cited by Labcorp Genetics (formerly Invitae), Labcorp); PubMed 21173160 (cited by Labcorp Genetics (formerly Invitae), Labcorp); PubMed 22121224 (cited by Labcorp Genetics (formerly Invitae), Labcorp).

NM_007375.4(TARDBP):c.1169A>G (p.Asn390Ser)

Gene: TARDBP (TAR DNA binding protein; plus strand). Cytogenetic location: 1p36.22.
Variant type: single nucleotide variant.
Coding change: c.1169A>G on transcript NM_007375.4 (MANE Select); coding-DNA position 1169, A replaced by G.
Protein change: p.Asn390Ser; replaces asparagine 390 with serine.
Molecular consequence: missense variant.
Genome position (GRCh38, 1-based): chr1:11,022,578, A>G. VCF-style: chr1-11022578-A-G. GRCh37 (hg19) VCF-style: chr1-11082635-A-G.
Other names: short protein forms N390S.
Identifiers: ClinVar variation 1300489 (VCV001300489.11), dbSNP rs80356742, ClinGen allele CA586495.